The following is an entry in ClinVar:

NM_001148.6(ANK2):c.7388C>T (p.Ser2463Phe)

Genes: ANK2 (ankyrin 2; plus strand), LOC126807137 (CDK7 strongly-dependent group 2 enhancer GRCh37_chr4:114276560-114277759; plus strand). Cytogenetic location: 4q26.
Variant type: single nucleotide variant.
Coding change: c.7388C>T on transcript NM_001148.6 (MANE Select); coding-DNA position 7388, C replaced by T.
Protein change: p.Ser2463Phe; replaces serine 2463 with phenylalanine.
Molecular consequence: missense variant. On other transcripts: intron variant (68).
Genome position (GRCh38, 1-based): chr4:113,356,006, C>T. VCF-style: chr4-113356006-C-T. GRCh37 (hg19) VCF-style: chr4-114277162-C-T.
Other names: c.7388C>T (NM_001148.4); c.7154C>T, p.Ser2385Phe (NM_001386142.1); c.3788C>T, p.Ser1263Phe (NM_001386166.1); c.7529C>T, p.Ser2510Phe (NM_001386174.1); c.7505C>T, p.Ser2502Phe (NM_001386175.1); c.4412-4817C>T (NM_001386186.2, NM_001386148.2); c.4214-4817C>T (NM_001354269.3); c.4292-4817C>T (NM_001386187.2); and 36 more; short protein forms S1263F, S2385F, S2463F, S2510F, S2502F.
Identifiers: ClinVar variation 1403197 (VCV001403197.12), dbSNP rs2095742714, ClinGen allele CA357930231.

ClinVar aggregate classification (germline): Uncertain significance. Review status: criteria provided, multiple submitters, no conflicts (2 of 4 stars). 3 submissions from 3 submitters: Uncertain significance (3). Last evaluated 2024-11-13.

Conditions:
Long QT syndrome (LQTS). Identifiers: MedGen C0023976, MeSH D008133, MONDO:0002442. Disease mechanism: loss of function. Inheritance: Various modes of inheritance.
Cardiac arrhythmia, ankyrin-B-related. Also called: ANKYRIN-B SYNDROME. Identifiers: Orphanet 101016, Orphanet 768, MedGen C1970119, MONDO:0010958, OMIM 600919.
Cardiovascular phenotype. Identifiers: MedGen CN230736.

Allele frequency attached by ClinVar (database versions not stated): gnomAD exomes 0.00001.
gnomAD v4.1: 10 of 1,614,126 alleles (0.00062%); highest among the groups gnomAD compares: Non-Finnish European, 0.00085%; no homozygotes.

Submissions (3):

Ambry Genetics
Classification: Uncertain significance for Cardiovascular phenotype. Last evaluated: 2024-11-13. Review status: criteria provided, single submitter. Criteria: Ambry Variant Classification Scheme 2023. Collection method: clinical testing. Allele origin: germline.
Comment: The p.S2463F variant (also known as c.7388C>T), located in coding exon 38 of the ANK2 gene, results from a C to T substitution at nucleotide position 7388. The serine at codon 2463 is replaced by phenylalanine, an amino acid with highly dissimilar properties. This amino acid position is conserved. In addition, the in silico prediction for this alteration is inconclusive. Based on the available evidence, the clinical significance of this variant remains unclear.

Labcorp Genetics (formerly Invitae), Labcorp
Classification: Uncertain significance for Long QT syndrome. Last evaluated: 2024-01-15. Review status: criteria provided, single submitter. Criteria: Invitae Variant Classification Sherloc (09022015). Collection method: clinical testing. Allele origin: germline.
Comment: This sequence change replaces serine, which is neutral and polar, with phenylalanine, which is neutral and non-polar, at codon 2463 of the ANK2 protein (p.Ser2463Phe). This variant is not present in population databases (gnomAD no frequency). This variant has not been reported in the literature in individuals affected with ANK2-related conditions. ClinVar contains an entry for this variant (Variation ID: 1403197). An algorithm developed to predict the effect of missense changes on protein structure and function (PolyPhen-2) suggests that this variant is likely to be disruptive. In summary, the available evidence is currently insufficient to determine the role of this variant in disease. Therefore, it has been classified as a Variant of Uncertain Significance.

Fulgent Genetics
Classification: Uncertain significance for Cardiac arrhythmia, ankyrin-B-related. Last evaluated: 2021-08-13. Review status: criteria provided, single submitter. Criteria: ACMG Guidelines, 2015. Collection method: clinical testing. Allele origin: unknown.